The following is an entry in ClinVar:

NM_001283009.2(RTEL1):c.1191+6G>T

Genes: RTEL1 (regulator of telomere elongation helicase 1; plus strand), RTEL1-TNFRSF6B (RTEL1-TNFRSF6B readthrough (NMD candidate); plus strand). Cytogenetic location: 20q13.33.
Variant type: single nucleotide variant.
Coding change: c.1191+6G>T on transcript NM_001283009.2 (MANE Select); 6 bases into the intron after coding-DNA position 1191, G replaced by T.
Molecular consequence: intron variant.
Genome position (GRCh38, 1-based): chr20:63,680,725, G>T. VCF-style: chr20-63680725-G-T. GRCh37 (hg19) VCF-style: chr20-62312078-G-T.
Other names: c.522+6G>T (NM_001283010.1); c.1263+6G>T (NM_032957.5); c.1191+6G>T (NM_016434.4).
Identifiers: ClinVar variation 1350476 (VCV001350476.5), dbSNP rs760073413, ClinGen allele CA9964645.
Genomic context (GRCh38, chr20:63,680,725, plus strand): 5'-TGCTGGAGTGTTCACCAACACGGCCGGACTGCAGAAGCTGGCGGACATTATCCAGGTGGG[G>T]CCTGCTCCTCTGTGGCATCTCCTTCCCTGATGGAAGCCGGGCGGGTGCCTTCTCCTGCTG-3'

ClinVar aggregate classification (germline): Uncertain significance (1 of 4 stars; one submission).

Conditions:
Pulmonary fibrosis and/or bone marrow failure, Telomere-related, 3. Also called: PULMONARY FIBROSIS AND/OR BONE MARROW FAILURE SYNDROME, TELOMERE-RELATED, 3. Identifiers: Orphanet 2032, MedGen C4225346, MONDO:0014613, OMIM 616373.
Dyskeratosis congenita, autosomal recessive 5 (DKCB5). Identifiers: MedGen C3554656, MONDO:0014076, OMIM 615190.

Allele frequency attached by ClinVar (database versions not stated): gnomAD 0.00005; TOPMed 0.00006; gnomAD exomes 0.00002 and 0.00007; ExAC 0.00009.
gnomAD v4.1: 38 of 1,613,212 alleles (0.0024%); highest among the groups gnomAD compares: Non-Finnish European, 0.00034%; no homozygotes.

Submission:

Labcorp Genetics (formerly Invitae), Labcorp
Classification: Uncertain significance for Dyskeratosis congenita, autosomal recessive 5; Pulmonary fibrosis and/or bone marrow failure, Telomere-related, 3. Last evaluated: 2025-10-21. Review status: criteria provided, single submitter. Criteria: Invitae Variant Classification Sherloc (09022015). Collection method: clinical testing. Allele origin: germline.
Comment: This sequence change falls in intron 14 of the RTEL1 gene. It does not directly change the encoded amino acid sequence of the RTEL1 protein. It affects a nucleotide within the consensus splice site. This variant is present in population databases (rs760073413, gnomAD 0.1%). This variant has not been reported in the literature in individuals affected with RTEL1-related conditions. ClinVar contains an entry for this variant (Variation ID: 1350476). Variants that disrupt the consensus splice site are a relatively common cause of aberrant splicing (PMID: 17576681, 9536098). Algorithms developed to predict the effect of sequence changes on RNA splicing suggest that this variant is not likely to affect RNA splicing. In summary, the available evidence is currently insufficient to determine the role of this variant in disease. Therefore, it has been classified as a Variant of Uncertain Significance.

Literature cited by the submitters: PubMed 17576681; PubMed 9536098.